The following is an entry in ClinVar:

ClinVar aggregate classification (germline): Uncertain significance (1 of 4 stars; one submission).

Conditions:
Autosomal recessive nonsyndromic hearing loss 66 (DFNB66). Also called: Deafness, autosomal recessive 66. Identifiers: Orphanet 90636, MedGen C1857750, MONDO:0012442, OMIM 610212.
Isolated neonatal sclerosing cholangitis (NSC). Also called: Sclerosing cholangitis, neonatal. Identifiers: Orphanet 480556, MedGen C4479344, MONDO:0018816, OMIM 617394.

Allele frequency attached by ClinVar (database versions not stated): ExAC 0.00001; gnomAD 0.00002; TOPMed 0.00002.
gnomAD v4.1: 9 of 1,613,838 alleles (0.00056%); highest among the groups gnomAD compares: Non-Finnish European, 0.00076%; no homozygotes.

Submission:

Labcorp Genetics (formerly Invitae), Labcorp
Classification: Uncertain significance for Autosomal recessive nonsyndromic hearing loss 66; Isolated neonatal sclerosing cholangitis. Last evaluated: 2024-07-30. Review status: criteria provided, single submitter. Criteria: Invitae Variant Classification Sherloc (09022015). Collection method: clinical testing. Allele origin: germline.
Comment: This sequence change replaces proline, which is neutral and non-polar, with leucine, which is neutral and non-polar, at codon 219 of the DCDC2 protein (p.Pro219Leu). This variant is present in population databases (rs768246538, gnomAD 0.002%). This variant has not been reported in the literature in individuals affected with DCDC2-related conditions. Advanced modeling of protein sequence and biophysical properties (such as structural, functional, and spatial information, amino acid conservation, physicochemical variation, residue mobility, and thermodynamic stability) has been performed at Invitae for this missense variant, however the output from this modeling did not meet the statistical confidence thresholds required to predict the impact of this variant on DCDC2 protein function. In summary, the available evidence is currently insufficient to determine the role of this variant in disease. Therefore, it has been classified as a Variant of Uncertain Significance.

NM_016356.5(DCDC2):c.656C>T (p.Pro219Leu)

Gene: DCDC2 (doublecortin domain containing 2; minus strand). Cytogenetic location: 6p22.3.
Variant type: single nucleotide variant.
Coding change: c.656C>T on transcript NM_016356.5 (MANE Select); coding-DNA position 656, C replaced by T.
Protein change: p.Pro219Leu; replaces proline 219 with leucine.
Molecular consequence: missense variant.
Genome position (GRCh38, 1-based): chr6:24,290,980, G>A on the plus strand (C>T on the coding strand, the complement: DCDC2 is on the minus strand). VCF-style: chr6-24290980-G-A. GRCh37 (hg19) VCF-style: chr6-24291208-G-A.
Other names: c.656C>T, p.Pro219Leu (NM_001195610.2); short protein forms P219L.
Identifiers: ClinVar variation 2930001 (VCV002930001.3), dbSNP rs768246538, ClinGen allele CA3654700.